The following is an entry in ClinVar:

NM_078480.3(PUF60):c.25-7_25-3del

Gene: PUF60 (poly(U) binding splicing factor 60; minus strand). Cytogenetic location: 8q24.3.
Variant type: Deletion.
Coding change: c.25-7_25-3del on transcript NM_078480.3 (MANE Select); 7 bases into the intron before coding-DNA position 25 through 3 bases into the intron before coding-DNA position 25, 5 bases deleted (CCTGC; older notation c.25-7_25-3delCCTGC).
Molecular consequence: intron variant.
Genome position (GRCh38, 1-based): chr8:143,824,402-143,824,406, GCAGG deleted on the plus strand (CCTGC on the coding strand, the reverse complement: PUF60 is on the minus strand). VCF-style (leftmost placement, unchanged base first): chr8-143824401-TGCAGG-T. GRCh37 (hg19) VCF-style: chr8-144906571-TGCAGG-T.
Other names: c.25-2493_25-2489del (NM_001271097.2, NM_001271099.2); c.25-10_25-6del (NM_001271096.2, NM_001271098.2); c.25-7_25-3del (NM_014281.5); c.-105-7_-105-3del (NM_001271100.2, NM_001136033.3); c.136-7_136-3del (NM_001362897.2, NM_001362895.2, NM_001362896.2).
Identifiers: ClinVar variation 3905831 (VCV003905831.10).

ClinVar aggregate classification (germline): Uncertain significance (1 of 4 stars; one submission).

Submission:

CeGaT Center for Human Genetics Tuebingen
Classification: Uncertain significance. Last evaluated: 2025-05-01. Review status: criteria provided, single submitter. Criteria: CeGaT Center For Human Genetics Tuebingen Variant Classification Criteria Version 2. Collection method: clinical testing. Allele origin: germline. Affected: yes. Observed: 1 variant allele.
Comment: PUF60: PM2, PP3